The following is an entry in ClinVar:

ClinVar aggregate classification (germline): Uncertain significance (1 of 4 stars; one submission).

Submission:

GeneDx
Classification: Uncertain significance. Last evaluated: 2024-05-06. Review status: criteria provided, single submitter. Criteria: GeneDx Variant Classification Process June 2021. Collection method: clinical testing. Allele origin: germline. Affected: yes.
Comment: Not observed at significant frequency in large population cohorts (gnomAD); In silico analysis supports that this missense variant has a deleterious effect on protein structure/function; Has not been previously published as pathogenic or benign to our knowledge

NM_000393.5(COL5A2):c.3533C>T (p.Pro1178Leu)

Gene: COL5A2 (collagen type V alpha 2 chain; minus strand). Cytogenetic location: 2q32.2.
Variant type: single nucleotide variant.
Coding change: c.3533C>T on transcript NM_000393.5 (MANE Select); coding-DNA position 3533, C replaced by T.
Protein change: p.Pro1178Leu; replaces proline 1178 with leucine.
Molecular consequence: missense variant.
Genome position (GRCh38, 1-based): chr2:189,041,686, G>A on the plus strand (C>T on the coding strand, the complement: COL5A2 is on the minus strand). VCF-style: chr2-189041686-G-A. GRCh37 (hg19) VCF-style: chr2-189906412-G-A.
Other names: short protein forms P1178L.
Identifiers: ClinVar variation 3375554 (VCV003375554.1).